The following is an entry in ClinVar:

NM_016169.4(SUFU):c.586A>G (p.Thr196Ala)

Gene: SUFU (SUFU negative regulator of hedgehog signaling; plus strand). Cytogenetic location: 10q24.32.
Variant type: single nucleotide variant.
Coding change: c.586A>G on transcript NM_016169.4 (MANE Select); coding-DNA position 586, A replaced by G.
Protein change: p.Thr196Ala; replaces threonine 196 with alanine.
Molecular consequence: missense variant.
Genome position (GRCh38, 1-based): chr10:102,592,713, A>G. VCF-style: chr10-102592713-A-G. GRCh37 (hg19) VCF-style: chr10-104352470-A-G.
Other names: c.586A>G, p.Thr196Ala (NM_001178133.2); short protein forms T196A.
Identifiers: ClinVar variation 1397111 (VCV001397111.8), dbSNP rs2135867363, ClinGen allele CA377908700.

ClinVar aggregate classification (germline): Uncertain significance (1 of 4 stars; one submission).

Conditions:
Medulloblastoma (MDB). Also called: MEDULLOBLASTOMA PREDISPOSITION SYNDROME; Medulloblastoma, somatic. Identifiers: Orphanet 616, MedGen C0025149, MeSH D008527, MONDO:0007959, OMIM 155255, HP:0002885.
Gorlin syndrome. Also called: Nevoid Basal Cell Carcinoma Syndrome; Basal cell nevus syndrome. Identifiers: Orphanet 377, MedGen C0004779, MONDO:0007187.

Allele frequency attached by ClinVar (database versions not stated): gnomAD exomes below 0.00001.
gnomAD v4.1: 1 of 1,614,074 alleles (0.000062%); highest among the groups gnomAD compares: Non-Finnish European, 0.000085%; no homozygotes.

Submission:

Labcorp Genetics (formerly Invitae), Labcorp
Classification: Uncertain significance for Gorlin syndrome; Medulloblastoma. Last evaluated: 2021-04-13. Review status: criteria provided, single submitter. Criteria: Invitae Variant Classification Sherloc (09022015). Collection method: clinical testing. Allele origin: germline.
Comment: In summary, the available evidence is currently insufficient to determine the role of this variant in disease. Therefore, it has been classified as a Variant of Uncertain Significance. Algorithms developed to predict the effect of missense changes on protein structure and function (SIFT, PolyPhen-2, Align-GVGD) all suggest that this variant is likely to be tolerated, but these predictions have not been confirmed by published functional studies and their clinical significance is uncertain. This variant has not been reported in the literature in individuals with SUFU-related conditions. This variant is not present in population databases (ExAC no frequency). This sequence change replaces threonine with alanine at codon 196 of the SUFU protein (p.Thr196Ala). The threonine residue is moderately conserved and there is a small physicochemical difference between threonine and alanine.